The following is an entry in ClinVar:

ClinVar aggregate classification (germline): Uncertain significance (1 of 4 stars; one submission).

Submission:

Labcorp Genetics (formerly Invitae), Labcorp
Classification: Uncertain significance. Last evaluated: 2025-01-13. Review status: criteria provided, single submitter. Criteria: Invitae Variant Classification Sherloc (09022015). Collection method: clinical testing. Allele origin: germline.
Comment: This sequence change creates a premature translational stop signal (p.Phe159Serfs*61) in the GATA5 gene. It is expected to result in an absent or disrupted protein product. However, the current clinical and genetic evidence is not sufficient to establish whether loss-of-function variants in GATA5 cause disease. This variant is not present in population databases (gnomAD no frequency). This variant has not been reported in the literature in individuals affected with GATA5-related conditions. In summary, the available evidence is currently insufficient to determine the role of this variant in disease. Therefore, it has been classified as a Variant of Uncertain Significance.

NM_080473.5(GATA5):c.471del (p.Phe159fs)

Gene: GATA5 (GATA binding protein 5; minus strand). Cytogenetic location: 20q13.33.
Variant type: Deletion.
Coding change: c.471del on transcript NM_080473.5 (MANE Select); coding-DNA position 471, one base deleted (G; older notation c.471delG).
Protein change: p.Phe159fs; shifts the reading frame from phenylalanine 159.
Molecular consequence: frameshift variant.
Genome position (GRCh38, 1-based): chr20:62,475,051, C deleted on the plus strand (G on the coding strand, the reverse complement: GATA5 is on the minus strand); the first of 3 consecutive C bases (chr20:62,475,051-62,475,053); deleting any one gives the same sequence. VCF-style (leftmost placement, unchanged base first): chr20-62475050-GC-G. GRCh37 (hg19) VCF-style: chr20-61050106-GC-G.
Other names: short protein forms F159fs.
Identifiers: ClinVar variation 3695141 (VCV003695141.2).